The following is an entry in ClinVar:

NM_024675.4(PALB2):c.212-8C>T

Gene: PALB2 (partner and localizer of BRCA2; minus strand). Cytogenetic location: 16p12.2.
Variant type: single nucleotide variant.
Coding change: c.212-8C>T on transcript NM_024675.4 (MANE Select); 8 bases into the intron before coding-DNA position 212, C replaced by T.
Molecular consequence: intron variant.
Genome position (GRCh38, 1-based): chr16:23,636,342, G>A on the plus strand (C>T on the coding strand, the complement: PALB2 is on the minus strand). VCF-style: chr16-23636342-G-A. GRCh37 (hg19) VCF-style: chr16-23647663-G-A.
Identifiers: ClinVar variation 768761 (VCV000768761.13), dbSNP rs1387711045, ClinGen allele CA621335385.

ClinVar aggregate classification (germline): Likely benign. Review status: criteria provided, multiple submitters, no conflicts (2 of 4 stars). 3 submissions from 3 submitters: Likely benign (3). Last evaluated 2025-01-10.

Conditions:
Familial cancer of breast. Also called: Hereditary breast cancer; hereditary breast carcinoma; BREAST CANCER, FAMILIAL. Identifiers: Orphanet 227535, MedGen C0346153, MONDO:0016419, OMIM 114480. Disease mechanism: loss of function.

Submissions (3):

Myriad Genetics, Inc.
Classification: Likely benign for Familial cancer of breast. Last evaluated: 2025-01-10. Review status: criteria provided, single submitter. Criteria: Myriad Autosomal Dominant, Autosomal Recessive and X-Linked Classification Criteria (2023). Collection method: clinical testing. Allele origin: unknown.
Comment: This variant is considered likely benign. This variant is intronic and is not expected to impact mRNA splicing.

Labcorp Genetics (formerly Invitae), Labcorp
Classification: Likely benign for Familial cancer of breast. Last evaluated: 2023-07-19. Review status: criteria provided, single submitter. Criteria: Invitae Variant Classification Sherloc (09022015). Collection method: clinical testing. Allele origin: germline.

Mendelics
Classification: Likely benign for Familial cancer of breast. Last evaluated: 2019-05-28. Review status: criteria provided, single submitter. Criteria: Mendelics Assertion Criteria 2017. Collection method: clinical testing. Allele origin: unknown.